The following is an entry in ClinVar:

ClinVar aggregate classification (germline): Uncertain significance (1 of 4 stars; one submission).

Allele frequency attached by ClinVar (database versions not stated): gnomAD exomes below 0.00001; gnomAD 0.00003.
gnomAD v4.1: 10 of 1,603,514 alleles (0.00062%); highest among the groups gnomAD compares: African/African-American, 0.004%; no homozygotes.

Submission:

Ambry Genetics
Classification: Uncertain significance. Last evaluated: 2022-07-05. Review status: criteria provided, single submitter. Criteria: Ambry Variant Classification Scheme 2023. Collection method: clinical testing. Allele origin: germline.
Comment: The p.T116I variant (also known as c.347C>T), located in coding exon 4 of the PRKDC gene, results from a C to T substitution at nucleotide position 347. The threonine at codon 116 is replaced by isoleucine, an amino acid with similar properties. This amino acid position is conserved. In addition, this alteration is predicted to be tolerated by in silico analysis. Since supporting evidence is limited at this time, the clinical significance of this alteration remains unclear.

NM_006904.7(PRKDC):c.347C>T (p.Thr116Ile)

Gene: PRKDC (protein kinase, DNA-activated, catalytic subunit; minus strand). Cytogenetic location: 8q11.21.
Variant type: single nucleotide variant.
Coding change: c.347C>T on transcript NM_006904.7 (MANE Select); coding-DNA position 347, C replaced by T.
Protein change: p.Thr116Ile; replaces threonine 116 with isoleucine.
Molecular consequence: missense variant.
Genome position (GRCh38, 1-based): chr8:47,955,926, G>A on the plus strand (C>T on the coding strand, the complement: PRKDC is on the minus strand). VCF-style: chr8-47955926-G-A. GRCh37 (hg19) VCF-style: chr8-48868486-G-A.
Other names: c.347C>T, p.Thr116Ile (NM_001081640.2); short protein forms T116I.
Identifiers: ClinVar variation 1731831 (VCV001731831.2), dbSNP rs1006583533, ClinGen allele CA371140464.